The following is an entry in ClinVar:

NM_207361.6(FREM2):c.2250C>A (p.Asp750Glu)

Gene: FREM2 (FRAS1 related extracellular matrix 2; plus strand). Cytogenetic location: 13q13.3.
Variant type: single nucleotide variant.
Coding change: c.2250C>A on transcript NM_207361.6 (MANE Select); coding-DNA position 2250, C replaced by A.
Protein change: p.Asp750Glu; replaces aspartic acid 750 with glutamic acid.
Molecular consequence: missense variant.
Genome position (GRCh38, 1-based): chr13:38,689,594, C>A. VCF-style: chr13-38689594-C-A. GRCh37 (hg19) VCF-style: chr13-39263731-C-A.
Other names: short protein forms D750E.
Identifiers: ClinVar variation 2628788 (VCV002628788.2), dbSNP rs41292755, ClinGen allele CA6954576.

ClinVar aggregate classification (germline): Uncertain significance. Review status: criteria provided, multiple submitters, no conflicts (2 of 4 stars). 2 submissions from 2 submitters: Uncertain significance (2). Last evaluated 2024-04-30.

Conditions:
Fraser syndrome 2 (FRASRS2). Identifiers: MedGen C4540036, MONDO:0054738, OMIM 617666.
Isolated cryptophthalmia. Also called: Cryptophthalmos, unilateral or bilateral, isolated; ANKYLOBLEPHARON, SIMPLE. Identifiers: Orphanet 91396, MedGen C1852453, MONDO:0007410, OMIM 123570.
FREM2-related disorder. Also called: FREM2-related condition.

gnomAD v4.1: 158 of 1,612,690 alleles (0.0098%); highest among the groups gnomAD compares: Non-Finnish European, 0.013%; no homozygotes.

Submissions (2):

Fulgent Genetics
Classification: Uncertain significance for Isolated cryptophthalmia; Fraser syndrome 2. Last evaluated: 2024-04-30. Review status: criteria provided, single submitter. Criteria: ACMG Guidelines, 2015. Collection method: clinical testing. Allele origin: germline.

PreventionGenetics, part of Exact Sciences
Classification: Uncertain significance for FREM2-related condition. Last evaluated: 2023-07-28. Review status: criteria provided, single submitter. Criteria: ACMG Guidelines, 2015. Collection method: clinical testing. Allele origin: germline.
Comment: The FREM2 c.2250C>A variant is predicted to result in the amino acid substitution p.Asp750Glu. To our knowledge, this variant has not been reported in the literature. This variant is reported in 0.0035% of alleles in individuals of European (Non-Finnish) descent in gnomAD. At this time, the clinical significance of this variant is uncertain due to the absence of conclusive functional and genetic evidence.